The following is an entry in ClinVar:

ClinVar aggregate classification (germline): Uncertain significance (1 of 4 stars; one submission).

Conditions:
Nemaline myopathy 2 (NEM2). Also called: Nemaline myopathy 2, autosomal recessive. Identifiers: MedGen C1850569, MONDO:0009725, OMIM 256030.

Submission:

3billion
Classification: Uncertain significance for Nemaline myopathy 2. Last evaluated: 2025-09-10. Review status: criteria provided, single submitter. Criteria: ACMG Guidelines, 2015. Collection method: clinical testing. Allele origin: germline. Affected: yes.
Comment: The variant is observed at an extremely low frequency in the gnomAD v4.1.0 dataset (total allele frequency: <0.001%). Predicted Consequence/Location: Missense variant. The majority of the known disease-causing variants of this gene are variants expected to result in premature termination of the protein. Therefore, this variant is classified as VUS according to the recommendation of ACMG/AMP guideline.

NM_001164508.2(NEB):c.5927T>C (p.Met1976Thr)

Gene: NEB (nebulin; minus strand). Cytogenetic location: 2q23.3.
Variant type: single nucleotide variant.
Coding change: c.5927T>C on transcript NM_001164508.2 (MANE Select); coding-DNA position 5927, T replaced by C.
Protein change: p.Met1976Thr; replaces methionine 1976 with threonine.
Molecular consequence: missense variant.
Genome position (GRCh38, 1-based): chr2:151,662,178, A>G on the plus strand (T>C on the coding strand, the complement: NEB is on the minus strand). VCF-style: chr2-151662178-A-G. GRCh37 (hg19) VCF-style: chr2-152518692-A-G.
Other names: c.5927T>C, p.Met1976Thr (NM_001164507.2, NM_001271208.2, NM_004543.5); short protein forms M1976T.
Identifiers: ClinVar variation 4854161 (VCV004854161.1).